The following is an entry in ClinVar:

ClinVar aggregate classification (germline): Uncertain significance (1 of 4 stars; one submission).

Conditions:
Long QT syndrome (LQTS). Identifiers: MedGen C0023976, MeSH D008133, MONDO:0002442. Disease mechanism: loss of function. Inheritance: Various modes of inheritance.

Submission:

Labcorp Genetics (formerly Invitae), Labcorp
Classification: Uncertain significance for Long QT syndrome. Last evaluated: 2016-08-30. Review status: criteria provided, single submitter. Criteria: Invitae Variant Classification Sherloc (09022015). Collection method: clinical testing. Allele origin: germline.
Comment: In summary, this is a novel intronic change with uncertain impact on splicing. It has been classified as a Variant of Uncertain Significance. Algorithms developed to predict the effect of sequence changes on RNA splicing suggest that this variant may alter RNA splicing, but this prediction has not been confirmed by published transcriptional studies. This variant is not present in population databases (ExAC no frequency) and has not been reported in the literature in individuals with a KCNH2-related disease. This sequence change falls in intron 1 of the KCNH2 gene. It does not directly change the encoded amino acid sequence of the KCNH2 protein.

NM_000238.4(KCNH2):c.77-3_77-2dup

Gene: KCNH2 (potassium voltage-gated channel subfamily H member 2; minus strand). Cytogenetic location: 7q36.1.
Variant type: Duplication.
Coding change: c.77-3_77-2dup on transcript NM_000238.4 (MANE Select); 3 bases into the intron before coding-DNA position 77 through the canonical splice acceptor site of the intron before coding-DNA position 77, 2 bases duplicated (TA; older notation c.77-3_77-2dupTA).
Molecular consequence: splice acceptor variant.
Genome position (GRCh38, 1-based): chr7:150,974,943-150,974,944, TA duplicated on the plus strand (TA on the coding strand, the reverse complement: KCNH2 is on the minus strand). VCF-style (leftmost placement, unchanged base first): chr7-150974942-C-CTA. GRCh37 (hg19) VCF-style: chr7-150672030-C-CTA.
Other names: c.77-3_77-2dup (NM_172056.3); c.-101-3_-101-2dup (NM_001406755.1); c.77-3_77-2dupTA (NM_000238.3).
Identifiers: ClinVar variation 405344 (VCV000405344.9), dbSNP rs1554431003, ClinGen allele CA16612129.